The following is an entry in ClinVar:

ClinVar aggregate classification (germline): Pathogenic. Review status: criteria provided, multiple submitters, no conflicts (2 of 4 stars). 2 submissions from 2 submitters: Pathogenic (2). Last evaluated 2025-01-01.

Conditions:
Intellectual developmental disorder, X-linked, syndromic, Snyder-Robinson type. Also called: X-linked mental retardation Snyder - Robinson type; Syndromic X-linked intellectual disability Snyder type; SNYDER-ROBINSON MENTAL RETARDATION SYNDROME; Spermine synthase deficiency. Identifiers: Orphanet 3063, MedGen C0796160, MONDO:0010664, OMIM 309583.

Submissions (2):

Center of Human Genetics, Hôpital Erasme
Classification: Pathogenic for Intellectual developmental disorder, X-linked, syndromic, Snyder-Robinson type. Last evaluated: 2025-01-01. Review status: criteria provided, single submitter. Criteria: ACMG Guidelines, 2015. Collection method: clinical testing. Allele origin: inherited. Affected: yes.

Center of Human Genetics, Erasme Hospital
Classification: Pathogenic for Intellectual developmental disorder, X-linked, syndromic, Snyder-Robinson type. Last evaluated: 2020-03-04. Review status: criteria provided, single submitter. Criteria: ACMG Guidelines, 2015. Collection method: clinical testing. Allele origin: maternal. Inheritance: X-linked recessive inheritance. Affected: yes. Observed: 2 variant alleles, 2 hemizygotes.
Comment: A significantly elevated spermidine/spermine ratio (spermidine above 50 nmoles/8.109 erythrocytes (norm: 5-11) and spermine at 2.58 nmoles/8.109 erythrocytes (norm: 3.5-8.5)) confirmed pathogenicity of the variant, and the diagnosis of Snyder-Robinson syndrome.

NM_004595.5(SMS):c.608G>A (p.Gly203Asp)

Gene: SMS (spermine synthase; plus strand). Cytogenetic location: Xp22.11.
Variant type: single nucleotide variant.
Coding change: c.608G>A on transcript NM_004595.5 (MANE Select); coding-DNA position 608, G replaced by A.
Protein change: p.Gly203Asp; replaces glycine 203 with aspartic acid.
Molecular consequence: missense variant.
Genome position (GRCh38, 1-based): chrX:21,978,062, G>A. VCF-style: chrX-21978062-G-A. GRCh37 (hg19) VCF-style: chrX-21996180-G-A.
Other names: c.449G>A, p.Gly150Asp (NM_001258423.2); short protein forms G150D, G203D.
Identifiers: ClinVar variation 827761 (VCV000827761.3), dbSNP rs1924650670, ClinGen allele CA412568826.